The following is an entry in ClinVar:

ClinVar aggregate classification (germline): Likely benign (1 of 4 stars; one submission).

Allele frequency attached by ClinVar (database versions not stated): gnomAD exomes 0.00002; ExAC 0.00006; gnomAD 0.00009.

Submission:

CeGaT Center for Human Genetics Tuebingen
Classification: Likely benign. Last evaluated: 2022-05-01. Review status: criteria provided, single submitter. Criteria: CeGaT Center For Human Genetics Tuebingen Variant Classification Criteria Version 2. Collection method: clinical testing. Allele origin: germline. Affected: yes. Observed: 1 variant allele.
Comment: ZNF174: BP4, BP7

NM_003450.3(ZNF174):c.849A>G (p.Glu283=)

Gene: ZNF174 (zinc finger protein 174; plus strand). Cytogenetic location: 16p13.3.
Variant type: single nucleotide variant.
Coding change: c.849A>G on transcript NM_003450.3 (MANE Select); coding-DNA position 849, A replaced by G.
Protein change: p.Glu283=; no amino-acid change (glutamic acid 283 retained).
Molecular consequence: synonymous variant.
Genome position (GRCh38, 1-based): chr16:3,408,544, A>G. VCF-style: chr16-3408544-A-G. GRCh37 (hg19) VCF-style: chr16-3458544-A-G.
Other names: c.849A>G, p.Glu283= (NM_001347868.2).
Identifiers: ClinVar variation 2646105 (VCV002646105.24), dbSNP rs780677506, ClinGen allele CA7862612.
Genomic context (GRCh38, chr16:3,408,544, plus strand): 5'-GGTCAGCTCCCCAAATGCTCAAAAGCCATTTGCTCACTACCAGAGACATTGCAGGGTGGA[A>G]TACATCAGCAGCCCCCTAAAAAGCCACCCACTGAGAGAGCTAAAGAAAAGCAAAGGAGGT-3'
Protein context (NP_003441.1, residues 273-293): FAHYQRHCRV[Glu283=]YISSPLKSHP